The following is an entry in ClinVar:

NM_000170.3(GLDC):c.1482+6T>C

Gene: GLDC (glycine decarboxylase; minus strand). Cytogenetic location: 9p24.1.
Variant type: single nucleotide variant.
Coding change: c.1482+6T>C on transcript NM_000170.3 (MANE Select); 6 bases into the intron after coding-DNA position 1482, T replaced by C.
Molecular consequence: intron variant.
Genome position (GRCh38, 1-based): chr9:6,592,137, A>G on the plus strand (T>C on the coding strand, the complement: GLDC is on the minus strand). VCF-style: chr9-6592137-A-G. GRCh37 (hg19) VCF-style: chr9-6592137-A-G.
Identifiers: ClinVar variation 2134330 (VCV002134330.1), dbSNP rs1818386634, ClinGen allele CA645544578.
Genomic context (GRCh38, chr9:6,592,137, plus strand): 5'-GATAAGCTACTTTTGCTACCACCTCCAATAGTTATGATGAGGAACGCATGTTTTTATTTT[A>G]CTTACTGCAGATGACTCACAACCAAAGATCCACAACAAATCGTCCAGATCTTTTTCATTG-3'

ClinVar aggregate classification (germline): Uncertain significance (1 of 4 stars; one submission).

Conditions:
Glycine encephalopathy. Also called: Non-ketotic hyperglycinemia; Nonketotic hyperglycinemia. Identifiers: Orphanet 407, MedGen C0751748, MONDO:0011612, HP:0008288.

Allele frequency attached by ClinVar (database versions not stated): TOPMed 0.00001.

Submission:

Labcorp Genetics (formerly Invitae), Labcorp
Classification: Uncertain significance for Glycine encephalopathy. Last evaluated: 2022-06-08. Review status: criteria provided, single submitter. Criteria: Invitae Variant Classification Sherloc (09022015). Collection method: clinical testing. Allele origin: germline.
Comment: This sequence change falls in intron 11 of the GLDC gene. It does not directly change the encoded amino acid sequence of the GLDC protein. It affects a nucleotide within the consensus splice site. This variant is not present in population databases (gnomAD no frequency). This variant has not been reported in the literature in individuals affected with GLDC-related conditions. Variants that disrupt the consensus splice site are a relatively common cause of aberrant splicing (PMID: 17576681, 9536098). Algorithms developed to predict the effect of sequence changes on RNA splicing suggest that this variant may disrupt the consensus splice site. In summary, the available evidence is currently insufficient to determine the role of this variant in disease. Therefore, it has been classified as a Variant of Uncertain Significance.

Literature cited by the submitters: PubMed 17576681; PubMed 9536098.